The following is an entry in ClinVar:

ClinVar aggregate classification (germline): Conflicting classifications of pathogenicity. Review status: criteria provided, conflicting classifications (1 of 4 stars). 2 submissions from 2 submitters: Uncertain significance (1); Likely benign (1). Last evaluated 2025-06-17.

Allele frequency attached by ClinVar (database versions not stated): gnomAD 0.00001; gnomAD exomes 0.00002; TOPMed 0.00002.
gnomAD v4.1: 26 of 1,607,854 alleles (0.0016%); highest among the groups gnomAD compares: Admixed American, 0.0033%; no homozygotes.

Submissions (2):

GeneDx
Classification: Likely benign. Last evaluated: 2025-06-17. Review status: criteria provided, single submitter. Criteria: GeneDx Variant Classification Process June 2021. Collection method: clinical testing. Allele origin: germline. Affected: yes.
Comment: See Variant Classification Assertion Criteria.

Labcorp Genetics (formerly Invitae), Labcorp
Classification: Uncertain significance. Last evaluated: 2023-10-03. Review status: criteria provided, single submitter. Criteria: Invitae Variant Classification Sherloc (09022015). Collection method: clinical testing. Allele origin: germline.
Comment: This sequence change replaces alanine, which is neutral and non-polar, with threonine, which is neutral and polar, at codon 195 of the ASXL1 protein (p.Ala195Thr). This variant is not present in population databases (gnomAD no frequency). This variant has not been reported in the literature in individuals affected with ASXL1-related conditions. An algorithm developed to predict the effect of missense changes on protein structure and function (PolyPhen-2) suggests that this variant is likely to be disruptive. In summary, the available evidence is currently insufficient to determine the role of this variant in disease. Therefore, it has been classified as a Variant of Uncertain Significance.

NM_015338.6(ASXL1):c.583G>A (p.Ala195Thr)

Gene: ASXL1 (ASXL transcriptional regulator 1; plus strand). Cytogenetic location: 20q11.21.
Variant type: single nucleotide variant.
Coding change: c.583G>A on transcript NM_015338.6 (MANE Select); coding-DNA position 583, G replaced by A.
Protein change: p.Ala195Thr; replaces alanine 195 with threonine.
Molecular consequence: missense variant. On other transcripts: intron variant (1).
Genome position (GRCh38, 1-based): chr20:32,429,918, G>A. VCF-style: chr20-32429918-G-A. GRCh37 (hg19) VCF-style: chr20-31017721-G-A.
Other names: c.535+487G>A (NM_001363734.1); short protein forms A195T.
Identifiers: ClinVar variation 2740741 (VCV002740741.4), dbSNP rs2011466606, ClinGen allele CA408552896.
Genomic context (GRCh38, chr20:32,429,918, plus strand): 5'-CGGCTTGGTGATACTTTTGACCAGTGGAATGCTGTGCCTTCAGGGTTCTCGGGCTGCCAC[G>A]CCGATGGCGAGAGCGGCAGCCCGTCCAGCAGCAGCAGCGGCTCTCTGGCCCTGGGCAGCG-3'
Protein context (NP_056153.2, residues 185-205): ESASGFSGCH[Ala195Thr]DGESGSPSSS